The following is an entry in ClinVar:

NM_000147.5(FUCA1):c.185T>G (p.Ile62Ser)

Gene: FUCA1 (alpha-L-fucosidase 1; minus strand). Cytogenetic location: 1p36.11.
Variant type: single nucleotide variant.
Coding change: c.185T>G on transcript NM_000147.5 (MANE Select); coding-DNA position 185, T replaced by G.
Protein change: p.Ile62Ser; replaces isoleucine 62 with serine.
Molecular consequence: missense variant.
Genome position (GRCh38, 1-based): chr1:23,868,102, A>C on the plus strand (T>G on the coding strand, the complement: FUCA1 is on the minus strand). VCF-style: chr1-23868102-A-C. GRCh37 (hg19) VCF-style: chr1-24194592-A-C.
Other names: short protein forms I62S.
Identifiers: ClinVar variation 1494159 (VCV001494159.6), dbSNP rs2148450635, ClinGen allele CA339009931.
Genomic context (GRCh38, chr1:23,868,102, plus strand): 5'-TGCCAGTGCCACCAGAACCACTCGCTGCCCCAGGCGGGCACCGAGAACACGCCCCAGTGG[A>C]TGAACACCCCGAACTTGGCTTCGTCGAACCAGGCCGGCAGCGGCCGAGAATCCAGGCTCG-3'
Protein context (NP_000138.2, residues 52-72): WFDEAKFGVF[Ile62Ser]HWGVFSVPAW

ClinVar aggregate classification (germline): Uncertain significance (1 of 4 stars; one submission).

Conditions:
Fucosidosis. Also called: ALPHA-L-FUCOSIDASE DEFICIENCY. Identifiers: Orphanet 349, MedGen C0016788, MONDO:0009254, OMIM 230000.

Submission:

Labcorp Genetics (formerly Invitae), Labcorp
Classification: Uncertain significance for Fucosidosis. Last evaluated: 2021-11-15. Review status: criteria provided, single submitter. Criteria: Invitae Variant Classification Sherloc (09022015). Collection method: clinical testing. Allele origin: germline.
Comment: This variant is not present in population databases (gnomAD no frequency). This sequence change replaces isoleucine, which is neutral and non-polar, with serine, which is neutral and polar, at codon 62 of the FUCA1 protein (p.Ile62Ser). This variant has not been reported in the literature in individuals affected with FUCA1-related conditions. In summary, the available evidence is currently insufficient to determine the role of this variant in disease. Therefore, it has been classified as a Variant of Uncertain Significance. Algorithms developed to predict the effect of missense changes on protein structure and function are either unavailable or do not agree on the potential impact of this missense change (SIFT: "Deleterious"; PolyPhen-2: "Benign"; Align-GVGD: "Class C0").